The following is an entry in ClinVar:

NM_000455.5(STK11):c.720G>A (p.Ser240=)

Gene: STK11 (serine/threonine kinase 11; plus strand). Cytogenetic location: 19p13.3.
Variant type: single nucleotide variant.
Coding change: c.720G>A on transcript NM_000455.5 (MANE Select); coding-DNA position 720, G replaced by A.
Protein change: p.Ser240=; no amino-acid change (serine 240 retained).
Molecular consequence: synonymous variant.
Genome position (GRCh38, 1-based): chr19:1,220,703, G>A. VCF-style: chr19-1220703-G-A. GRCh37 (hg19) VCF-style: chr19-1220702-G-A.
Identifiers: ClinVar variation 184074 (VCV000184074.24), dbSNP rs759743897, ClinGen allele CA023246.
Genomic context (GRCh38, chr19:1,220,703, plus strand): 5'-GCCGCCCGAGATTGCCAACGGCCTGGACACCTTCTCCGGCTTCAAGGTGGACATCTGGTC[G>A]GCTGGGGTCACCCTGTAAGTGCCCCGCCCCCCCGGGCACTCACCACACGCACACTCCGAG-3'
Protein context (NP_000446.1, residues 230-250): TFSGFKVDIW[Ser240=]AGVTLYNITT

ClinVar aggregate classification (germline): Conflicting classifications of pathogenicity. Review status: criteria provided, conflicting classifications (1 of 4 stars). 9 submissions from 9 submitters: Uncertain significance (1); Benign (1); Likely benign (7). Last evaluated 2025-11-10.

Conditions:
Hereditary cancer-predisposing syndrome. Also called: Tumor predisposition; Hereditary Cancer Syndrome; Hereditary neoplastic syndrome; Neoplastic Syndromes, Hereditary. Identifiers: Orphanet 140162, MedGen C0027672, MeSH D009386, MONDO:0015356.
Peutz-Jeghers syndrome (PJS). Also called: POLYPOSIS, HAMARTOMATOUS INTESTINAL; POLYPS-AND-SPOTS SYNDROME; Peutz-Jeghers polyposis; Periorificial lentiginosis syndrome. Identifiers: Orphanet 2869, MedGen C0031269, MeSH D010580, MONDO:0008280, OMIM 175200.

Allele frequency attached by ClinVar (database versions not stated): gnomAD 0.00001; TOPMed 0.00002.
gnomAD v4.1: 23 of 1,609,240 alleles (0.0014%); highest among the groups gnomAD compares: South Asian, 0.0044%; no homozygotes.

Submissions (9):

Labcorp Genetics (formerly Invitae), Labcorp
Classification: Likely benign for Peutz-Jeghers syndrome. Last evaluated: 2025-11-10. Review status: criteria provided, single submitter. Criteria: Invitae Variant Classification Sherloc (09022015). Collection method: clinical testing. Allele origin: germline.

Myriad Genetics, Inc.
Classification: Benign for Peutz-Jeghers syndrome. Last evaluated: 2025-03-27. Review status: criteria provided, single submitter. Criteria: Myriad Autosomal Dominant, Autosomal Recessive and X-Linked Classification Criteria (2023). Collection method: clinical testing. Allele origin: unknown.
Comment: This variant is considered benign. This variant is a silent/synonymous amino acid change and it is not expected to impact splicing.

All of Us Research Program, National Institutes of Health
Classification: Likely benign for Peutz-Jeghers syndrome. Last evaluated: 2023-11-30. Review status: criteria provided, single submitter. Criteria: ACMG Guidelines, 2015. Collection method: clinical testing. Allele origin: germline. Inheritance: Autosomal dominant inheritance. Observed: 3 variant alleles, 3 heterozygotes.
Comment: This study involves interpretation of variants in research participants for the purpose of population health screening. Participant phenotype was not available at the time of variant classification. Additional details can be found in publication PMID: 35346344, PMCID: PMC8962531

Quest Diagnostics Nichols Institute San Juan Capistrano
Classification: Likely benign. Last evaluated: 2022-12-03. Review status: criteria provided, single submitter. Criteria: Quest Diagnostics criteria. Collection method: clinical testing. Allele origin: unknown.

Sema4
Classification: Uncertain significance for Hereditary cancer-predisposing syndrome. Last evaluated: 2021-07-07. Review status: criteria provided, single submitter. Criteria: Sema4 Curation Guidelines. Collection method: curation. Allele origin: germline.
Comment: The STK11 c.720G>A (p.S240=) variant has not been reported in at least one individual with breast cancer (PMID: 30287823). It was observed in 1/14800 chromosomes of the African/African American subpopulation in the large and broad cohorts of the Genome Aggregation Database (PMID: 32461654). The variant has been reported in ClinVar (Variation ID 184074). Splice site prediction tools suggest the variant may introduce a cryptic splice donor site, however these predictions have not been confirmed by published transcriptional studies. The evidence is insufficient to meet ACMG/AMP criteria for classifying the variant as benign or pathogenic. Thus, the clinical significance of this variant is currently uncertain.

Women's Health and Genetics/Laboratory Corporation of America, LabCorp
Classification: Likely benign. Last evaluated: 2019-06-18. Review status: criteria provided, single submitter. Criteria: LabCorp Variant Classification Summary - May 2015. Collection method: clinical testing. Allele origin: germline.

Color Diagnostics, LLC DBA Color Health
Classification: Likely benign for Hereditary cancer-predisposing syndrome. Last evaluated: 2018-01-16. Review status: criteria provided, single submitter. Criteria: ACMG Guidelines, 2015. Collection method: clinical testing. Allele origin: germline.

GeneDx
Classification: Likely benign. Last evaluated: 2015-11-18. Review status: criteria provided, single submitter. Criteria: GeneDx Variant Classification (06012015). Collection method: clinical testing. Allele origin: germline. Affected: yes.
Comment: This variant is considered likely benign or benign based on one or more of the following criteria: it is a conservative change, it occurs at a poorly conserved position in the protein, it is predicted to be benign by multiple in silico algorithms, and/or has population frequency not consistent with disease.

Ambry Genetics
Classification: Likely benign for Hereditary cancer-predisposing syndrome. Last evaluated: 2015-07-13. Review status: criteria provided, single submitter. Criteria: Ambry Variant Classification Scheme 2023. Collection method: clinical testing. Allele origin: germline.

Literature cited by the submitters: PubMed 30287823 (cited by Quest Diagnostics Nichols Institute San Juan Capistrano and Sema4).